The following is an entry in ClinVar:

ClinVar aggregate classification (germline): Uncertain significance (1 of 4 stars; one submission).

Submission:

GeneDx
Classification: Uncertain significance. Last evaluated: 2024-10-31. Review status: criteria provided, single submitter. Criteria: GeneDx Variant Classification Process June 2021. Collection method: clinical testing. Allele origin: germline. Affected: yes.
Comment: Not observed at significant frequency in large population cohorts (gnomAD); In silico analysis supports that this missense variant has a deleterious effect on protein structure/function; Has not been previously published as pathogenic or benign to our knowledge; This variant is associated with the following publications: (PMID: 25512093, 25609763, 26100331)

NM_001376.5(DYNC1H1):c.1679T>C (p.Val560Ala)

Gene: DYNC1H1 (dynein cytoplasmic 1 heavy chain 1; plus strand). Cytogenetic location: 14q32.31.
Variant type: single nucleotide variant.
Coding change: c.1679T>C on transcript NM_001376.5 (MANE Select); coding-DNA position 1679, T replaced by C.
Protein change: p.Val560Ala; replaces valine 560 with alanine.
Molecular consequence: missense variant.
Genome position (GRCh38, 1-based): chr14:101,985,904, T>C. VCF-style: chr14-101985904-T-C. GRCh37 (hg19) VCF-style: chr14-102452241-T-C.
Other names: short protein forms V560A.
Identifiers: ClinVar variation 3897458 (VCV003897458.1).
Genomic context (GRCh38, chr14:101,985,904, plus strand): 5'-AAGAGGGCACGGAAGCCTGGGAGGCTGCTATGAAGAGGTACGATGAGAGGATCGACAGAG[T>C]GGAGACCCGGATCACCGCTCGCCTTCGGGATCAGCTTGGCACAGCCAAGAATGCCAACGA-3'
Protein context (NP_001367.2, residues 550-570): MKRYDERIDR[Val560Ala]ETRITARLRD